The following is an entry in ClinVar:

ClinVar aggregate classification (germline): Uncertain significance. Review status: criteria provided, multiple submitters, no conflicts (2 of 4 stars). 2 submissions from 2 submitters: Uncertain significance (2). Last evaluated 2022-10-31.

Conditions:
Developmental and epileptic encephalopathy, 47 (DEE47). Also called: Epileptic encephalopathy, early infantile, 47. Identifiers: MedGen C4310685, MONDO:0014949, OMIM 617166.

Allele frequency attached by ClinVar (database versions not stated): gnomAD exomes below 0.00001; gnomAD 0.00001; ExAC 0.00002; 1000 Genomes Project 30x 0.00031; 1000 Genomes Project 0.00040.
gnomAD v4.1: 3 of 1,613,932 alleles (0.00019%); highest among the groups gnomAD compares: South Asian, 0.0033%; no homozygotes.

Submissions (2):

Labcorp Genetics (formerly Invitae), Labcorp
Classification: Uncertain significance. Last evaluated: 2022-10-31. Review status: criteria provided, single submitter. Criteria: Invitae Variant Classification Sherloc (09022015). Collection method: clinical testing. Allele origin: germline.
Comment: Algorithms developed to predict the effect of missense changes on protein structure and function (SIFT, PolyPhen-2, Align-GVGD) all suggest that this variant is likely to be disruptive. In summary, the available evidence is currently insufficient to determine the role of this variant in disease. Therefore, it has been classified as a Variant of Uncertain Significance. This variant has not been reported in the literature in individuals affected with FGF12-related conditions. This variant is present in population databases (rs544467705, gnomAD 0.006%). This sequence change replaces aspartic acid, which is acidic and polar, with valine, which is neutral and non-polar, at codon 90 of the FGF12 protein (p.Asp90Val).

Neuberg Centre For Genomic Medicine, NCGM
Classification: Uncertain significance for Developmental and epileptic encephalopathy, 47. Review status: criteria provided, single submitter. Criteria: ACMG Guidelines, 2015. Collection method: clinical testing. Allele origin: germline. Inheritance: Autosomal dominant inheritance. Affected: yes.
Comment: The missense variant p.D28V in FGF12 (NM_004113.6) has not been reported previously as a pathogenic variant nor as a benign variant, to our knowledge. The amino acid Asp at position 90 is changed to a Val changing protein sequence and it might alter its composition and physico-chemical properties. The p.D28V missense variant is predicted to be damaging by both SIFT and PolyPhen2. The aspartic acid residue at codon 28 of FGF12 is conserved in all mammalian species. The nucleotide c.83 in FGF12 is predicted conserved by GERP++ and PhyloP across 100 vertebrates. For these reasons, this variant has been classified as Uncertain Significance.

NM_004113.6(FGF12):c.83A>T (p.Asp28Val)

Gene: FGF12 (fibroblast growth factor 12; minus strand). Cytogenetic location: 3q28.
Variant type: single nucleotide variant.
Coding change: c.83A>T on transcript NM_004113.6 (MANE Select); coding-DNA position 83, A replaced by T.
Protein change: p.Asp28Val; replaces aspartic acid 28 with valine.
Molecular consequence: missense variant. On other transcripts: intron variant (1).
Genome position (GRCh38, 1-based): chr3:192,360,469, T>A on the plus strand (A>T on the coding strand, the complement: FGF12 is on the minus strand). VCF-style: chr3-192360469-T-A. GRCh37 (hg19) VCF-style: chr3-192078258-T-A.
Other names: c.11A>T, p.Asp4Val (NM_001377293.1, NM_001377294.1); c.269A>T, p.Asp90Val (NM_021032.5); c.14-25005A>T (NM_001377292.1); short protein forms D28V, D90V, D4V.
Identifiers: ClinVar variation 2585506 (VCV002585506.4), dbSNP rs544467705, ClinGen allele CA2755845.
Genomic context (GRCh38, chr3:192,360,469, plus strand): 5'-AGAAGCTAATGTTTCTTACTGTAGTCGCTGTTTTCGTCCTTGGTCCCATCAATGGTACCA[T>A]CTGGGTGCATCTGCAGGAAGTATCCCTGCTGGCTGAATAACCTTGTCACAATCCCTTTGA-3'
Protein context (NP_004104.3, residues 18-38): QQGYFLQMHP[Asp28Val]GTIDGTKDEN